The following is an entry in ClinVar:

NM_000038.6(APC):c.8211G>A (p.Glu2737=)

Gene: APC (APC regulator of Wnt signaling pathway; plus strand). Cytogenetic location: 5q22.2.
Variant type: single nucleotide variant.
Coding change: c.8211G>A on transcript NM_000038.6 (MANE Select); coding-DNA position 8211, G replaced by A.
Protein change: p.Glu2737=; no amino-acid change (glutamic acid 2737 retained).
Molecular consequence: synonymous variant. On other transcripts: non-coding transcript variant (2).
Genome position (GRCh38, 1-based): chr5:112,843,805, G>A. VCF-style: chr5-112843805-G-A. GRCh37 (hg19) VCF-style: chr5-112179502-G-A.
Other names: c.8211G>A, p.Glu2737= (NM_001127510.3, NM_001354895.2, NM_001407450.1); c.8157G>A, p.Glu2719= (NM_001127511.3); c.8265G>A, p.Glu2755= (NM_001354896.2, NM_001407447.1, NM_001407448.1 and 1 more transcripts); c.8241G>A, p.Glu2747= (NM_001354897.2); c.8136G>A, p.Glu2712= (NM_001354898.2); c.8127G>A, p.Glu2709= (NM_001354899.2); c.8088G>A, p.Glu2696= (NM_001354900.2); c.8034G>A, p.Glu2678= (NM_001354901.2, NM_001407453.1); and 11 more.
Identifiers: ClinVar variation 3254481 (VCV003254481.1), dbSNP rs1366190280.

ClinVar aggregate classification (germline): Benign (1 of 4 stars; one submission).

Conditions:
Familial adenomatous polyposis 1 (FAP1). Also called: FAMILIAL ADENOMATOUS POLYPOSIS 1, ATTENUATED; POLYPOSIS, ADENOMATOUS INTESTINAL. Identifiers: MedGen C2713442, MONDO:0021056, OMIM 175100. Disease mechanism: loss of function.

Submission:

Myriad Genetics, Inc.
Classification: Benign for Familial adenomatous polyposis 1. Last evaluated: 2024-04-12. Review status: criteria provided, single submitter. Criteria: Myriad Autosomal Dominant, Autosomal Recessive and X-Linked Classification Criteria (2023). Collection method: clinical testing. Allele origin: unknown.
Comment: This variant is considered benign. This variant is a silent/synonymous amino acid change and it is not expected to impact splicing.